The following is an entry in ClinVar:

NM_001161352.2(KCNMA1):c.2484+1746C>T

Genes: KCNMA1 (potassium calcium-activated channel subfamily M alpha 1; minus strand), KCNMA1-AS1 (KCNMA1 antisense RNA 1; plus strand). Cytogenetic location: 10q22.3.
Variant type: single nucleotide variant.
Coding change: c.2484+1746C>T on transcript NM_001161352.2 (MANE Select); 1746 bases into the intron after coding-DNA position 2484, C replaced by T.
Molecular consequence: intron variant. On other transcripts: synonymous variant (1).
Genome position (GRCh38, 1-based): chr10:76,952,055, G>A on the plus strand (C>T on the coding strand, the complement: KCNMA1 is on the minus strand). VCF-style: chr10-76952055-G-A. GRCh37 (hg19) VCF-style: chr10-78711813-G-A.
Other names: c.2415C>T, p.Ser805= (NM_001161353.2); c.2160+1746C>T (NM_001271518.2); c.2310+1746C>T (NM_001322832.2, NM_001410940.1, NM_002247.4); c.2319+1746C>T (NM_001322829.2, NM_001322836.2, NM_001271519.2); c.2322+1746C>T (NM_001014797.3, NM_001322835.2, NM_001322837.2); c.2331+1746C>T (NM_001322830.2); c.1857+1746C>T (NM_001322838.2).
Identifiers: ClinVar variation 2500048 (VCV002500048.2), dbSNP rs1489738951, ClinGen allele CA470512358.
Genomic context (GRCh38, chr10:76,952,055, plus strand): 5'-TTAAATGATGTTATTTTTCATAGGATAGAAGTAGTAACTCACCTCCTTAAACTTTTTTAT[G>A]CTGGCAGGAGATGTTGATTGAATATCAGTTGGCATGCATACTACACCAATATCCAGGCAA-3'

ClinVar aggregate classification (germline): Uncertain significance (1 of 4 stars; one submission).

Conditions:
Epilepsy, idiopathic generalized, susceptibility to, 16. Identifiers: MedGen C5231421, MONDO:0032827, OMIM 618596.
Liang-Wang syndrome. Identifiers: Orphanet 664438, MedGen C5231479, MONDO:0032886, OMIM 618729.
Generalized epilepsy-paroxysmal dyskinesia syndrome (PNKD3). Also called: Generalized epilepsy and paroxysmal dyskinesia; Paroxysmal nonkinesigenic dyskinesia, 3, with or without generalized epilepsy. Identifiers: Orphanet 79137, MedGen C5574945, MONDO:0012276, OMIM 609446.
Cerebellar atrophy, developmental delay, and seizures. Identifiers: MedGen C4539985, MONDO:0060551, OMIM 617643.

Allele frequency attached by ClinVar (database versions not stated): TOPMed 0.00002; gnomAD 0.00003.
gnomAD v4.1: 8 of 1,552,036 alleles (0.00052%); highest among the groups gnomAD compares: Admixed American, 0.016%; 1 homozygote.

Submission:

Center for Genomics, Ann and Robert H. Lurie Children's Hospital of Chicago
Classification: Uncertain significance for Epilepsy, idiopathic generalized, susceptibility to, 16; Generalized epilepsy-paroxysmal dyskinesia syndrome; Cerebellar atrophy, developmental delay, and seizures; Liang-Wang syndrome. Review status: criteria provided, single submitter. Criteria: ACMG Guidelines, 2015. Collection method: clinical testing. Allele origin: germline.
Comment: KCNMA1 NM_001161353 p.Ser805Ser (c.2415C>T): This variant has not been reported in the literature but is present in 6/23968 Latino individuals, including 1 homozygote in the Genome Aggregation Database (not available). Evolutionary conservation and computational predictive tools for this variant are limited or unavailable. Of note, this variant is a silent variant and does not change the amino acid, reducing the probability that this variant is disease causing. In summary, data on this variant is insufficient for disease classification. Therefore, the clinical significance of this variant is uncertain.